The following is an entry in ClinVar:

ClinVar aggregate classification (germline): Uncertain significance (1 of 4 stars; one submission).

Allele frequency attached by ClinVar (database versions not stated): TOPMed below 0.00001.

Submission:

CeGaT Center for Human Genetics Tuebingen
Classification: Uncertain significance. Last evaluated: 2023-10-01. Review status: criteria provided, single submitter. Criteria: CeGaT Center For Human Genetics Tuebingen Variant Classification Criteria Version 2. Collection method: clinical testing. Allele origin: germline. Affected: yes. Observed: 1 variant allele.
Comment: CDH23: PM2

NM_022124.6(CDH23):c.2741C>A (p.Ala914Asp)

Gene: CDH23 (cadherin related 23; plus strand). Cytogenetic location: 10q22.1.
Variant type: single nucleotide variant.
Coding change: c.2741C>A on transcript NM_022124.6 (MANE Select); coding-DNA position 2741, C replaced by A.
Protein change: p.Ala914Asp; replaces alanine 914 with aspartic acid.
Molecular consequence: missense variant.
Genome position (GRCh38, 1-based): chr10:71,704,918, C>A. VCF-style: chr10-71704918-C-A. GRCh37 (hg19) VCF-style: chr10-73464675-C-A.
Other names: c.2741C>A, p.Ala914Asp (NM_001171930.2, NM_001171931.2); short protein forms A914D.
Identifiers: ClinVar variation 2640569 (VCV002640569.24), dbSNP rs1482057181, ClinGen allele CA377139440.